The following is an entry in ClinVar:

NM_001372044.2(SHANK3):c.902G>C (p.Gly301Ala)

Gene: SHANK3 (SH3 and multiple ankyrin repeat domains 3; plus strand). Cytogenetic location: 22q13.33.
Variant type: single nucleotide variant.
Coding change: c.902G>C on transcript NM_001372044.2 (MANE Select); coding-DNA position 902, G replaced by C.
Protein change: p.Gly301Ala; replaces glycine 301 with alanine.
Molecular consequence: missense variant.
Genome position (GRCh38, 1-based): chr22:50,679,095, G>C. VCF-style: chr22-50679095-G-C. GRCh37 (hg19) VCF-style: chr22-51117523-G-C.
Other names: c.677G>C, p.Gly226Ala (NM_033517.1); short protein forms G226A, G301A.
Identifiers: ClinVar variation 3068960 (VCV003068960.4), dbSNP rs1053135588, ClinGen allele CA325560402.

ClinVar aggregate classification (germline): Uncertain significance. Review status: criteria provided, multiple submitters, no conflicts (2 of 4 stars). 2 submissions from 2 submitters: Uncertain significance (2). Last evaluated 2024-02-14.

Conditions:
Phelan-McDermid syndrome. Also called: Phelan-McDermid Syndrome-SHANK3 Related; TELOMERIC 22q13 MONOSOMY SYNDROME; 22q13.3 deletion syndrome. Identifiers: Orphanet 48652, MedGen C1853490, MONDO:0011652, OMIM 606232.
Schizophrenia 15 (SCZD15). Also called: SCHIZOPHRENIA SUSCEPTIBILITY LOCUS, CHROMOSOME 22q13-RELATED. Identifiers: MedGen C3151380, MONDO:0013498, OMIM 613950.

Submissions (2):

Women's Health and Genetics/Laboratory Corporation of America, LabCorp
Classification: Uncertain significance. Last evaluated: 2024-02-14. Review status: criteria provided, single submitter. Criteria: LabCorp Variant Classification Summary - May 2015. Collection method: clinical testing. Allele origin: germline.
Comment: Variant summary: SHANK3 c.902G>C (p.Gly301Ala) results in a non-conservative amino acid change in the encoded protein sequence. Two of three in-silico tools predict a benign effect of the variant on protein function. The variant was absent in 209692 control chromosomes. The available data on variant occurrences in the general population are insufficient to allow any conclusion about variant significance. To our knowledge, no occurrence of c.902G>C in individuals affected with Phelan-McDermid Syndrome and no experimental evidence demonstrating its impact on protein function have been reported. No submitters have cited clinical-significance assessments for this variant to ClinVar. Based on the evidence outlined above, the variant was classified as uncertain significance.

Juno Genomics, Hangzhou Juno Genomics, Inc
Classification: Uncertain significance for Schizophrenia 15; Phelan-McDermid syndrome. Review status: criteria provided, single submitter. Criteria: ACMG Guidelines, 2015. Collection method: clinical testing. Allele origin: germline.
Comment: Absent from controls (or at extremely low frequency if recessive) in Genome Aggregation Database.;Multiple lines of computational evidence support a deleterious effect on the gene or gene product.